The following is an entry in ClinVar:

NM_001037132.4(NRCAM):c.2726G>A (p.Ser909Asn)

Gene: NRCAM (neuronal cell adhesion molecule; minus strand). Cytogenetic location: 7q31.1.
Variant type: single nucleotide variant.
Coding change: c.2726G>A on transcript NM_001037132.4 (MANE Select); coding-DNA position 2726, G replaced by A.
Protein change: p.Ser909Asn; replaces serine 909 with asparagine.
Molecular consequence: missense variant. On other transcripts: non-coding transcript variant (5).
Genome position (GRCh38, 1-based): chr7:108,180,348, C>T on the plus strand (G>A on the coding strand, the complement: NRCAM is on the minus strand). VCF-style: chr7-108180348-C-T. GRCh37 (hg19) VCF-style: chr7-107820792-C-T.
Other names: c.2726G>A, p.Ser909Asn (NM_001371173.1, NM_001371168.1, NM_001371169.1 and 10 more transcripts); c.2696G>A, p.Ser899Asn (NM_001371174.1, NM_001371150.1, NM_001371159.1); c.2678G>A, p.Ser893Asn (NM_001371175.1, NM_001371176.1, NM_001371178.1 and 8 more transcripts); c.2669G>A, p.Ser890Asn (NM_001371177.1, NM_001371181.1, NM_001371163.1 and 22 more transcripts); c.2408G>A, p.Ser803Asn (NM_001371179.1, NM_001371180.1, NM_001371170.1 and 1 more transcripts); c.2621G>A, p.Ser874Asn (NM_001371182.1); c.2381G>A, p.Ser794Asn (NM_001371164.1, NM_001371125.1, NM_001371147.1 and 2 more transcripts); c.2723G>A, p.Ser908Asn (NM_001371127.1); and 3 more; short protein forms S803N, S899N, S903N, S794N, S892N, S590N, S874N, S890N.
Identifiers: ClinVar variation 3880986 (VCV003880986.3).
Genomic context (GRCh38, chr7:108,180,348, plus strand): 5'-CGGACATTCAGTGTGTAGTGGCTAAAGGGCTCTAGCCCCGGCAACATGCCATGAGTCTTG[C>T]TGCCTTGGAAGGTGAGGATCTTTTTCTCAATGTGACGTCTGTTTCTTTTAGATGAACTCT-3'
Protein context (NP_001032209.1, residues 899-919): IEKKILTFQG[Ser909Asn]KTHGMLPGLE

ClinVar aggregate classification (germline): Uncertain significance. Review status: criteria provided, multiple submitters, no conflicts (2 of 4 stars). 2 submissions from 2 submitters: Uncertain significance (2). Last evaluated 2026-05-01.

Conditions:
Inborn genetic diseases. Identifiers: MedGen C0950123, MeSH D030342.

gnomAD v4.1: 6 of 1,614,038 alleles (0.00037%); highest among the groups gnomAD compares: Admixed American, 0.0083%; no homozygotes.

Submissions (2):

CeGaT Center for Human Genetics Tuebingen
Classification: Uncertain significance. Last evaluated: 2026-05-01. Review status: criteria provided, single submitter. Criteria: CeGaT Center For Human Genetics Tuebingen Variant Classification Criteria Version 2. Collection method: clinical testing. Allele origin: germline. Affected: yes. Observed: 1 variant allele.
Comment: NRCAM: PM2, BP4

Ambry Genetics
Classification: Uncertain significance for Inborn genetic diseases. Last evaluated: 2025-02-20. Review status: criteria provided, single submitter. Criteria: Ambry Variant Classification Scheme 2023. Collection method: clinical testing. Allele origin: germline.